The following is an entry in ClinVar:

ClinVar aggregate classification (germline): Uncertain significance. Review status: criteria provided, multiple submitters, no conflicts (2 of 4 stars). 2 submissions from 2 submitters: Uncertain significance (2). Last evaluated 2024-07-10.

Conditions:
Inborn genetic diseases. Identifiers: MedGen C0950123, MeSH D030342.

Allele frequency attached by ClinVar (database versions not stated): gnomAD 0.00001; TOPMed 0.00001.
gnomAD v4.1: 22 of 1,613,658 alleles (0.0014%); highest among the groups gnomAD compares: Non-Finnish European, 0.0018%; no homozygotes.

Submissions (2):

Ambry Genetics
Classification: Uncertain significance for Inborn genetic diseases. Last evaluated: 2024-07-10. Review status: criteria provided, single submitter. Criteria: Ambry Variant Classification Scheme 2023. Collection method: clinical testing. Allele origin: germline.

Labcorp Genetics (formerly Invitae), Labcorp
Classification: Uncertain significance. Last evaluated: 2022-11-08. Review status: criteria provided, single submitter. Criteria: Invitae Variant Classification Sherloc (09022015). Collection method: clinical testing. Allele origin: germline.
Comment: This variant is present in population databases (no rsID available, gnomAD 0.004%). In summary, the available evidence is currently insufficient to determine the role of this variant in disease. Therefore, it has been classified as a Variant of Uncertain Significance. Advanced modeling of protein sequence and biophysical properties (such as structural, functional, and spatial information, amino acid conservation, physicochemical variation, residue mobility, and thermodynamic stability) performed at Invitae indicates that this missense variant is not expected to disrupt MMP2 protein function. This variant has not been reported in the literature in individuals affected with MMP2-related conditions. This sequence change replaces alanine, which is neutral and non-polar, with serine, which is neutral and polar, at codon 42 of the MMP2 protein (p.Ala42Ser).

NM_004530.6(MMP2):c.124G>T (p.Ala42Ser)

Gene: MMP2 (matrix metallopeptidase 2; plus strand). Cytogenetic location: 16q12.2.
Variant type: single nucleotide variant.
Coding change: c.124G>T on transcript NM_004530.6 (MANE Select); coding-DNA position 124, G replaced by T.
Protein change: p.Ala42Ser; replaces alanine 42 with serine.
Molecular consequence: missense variant. On other transcripts: intron variant (1).
Genome position (GRCh38, 1-based): chr16:55,479,603, G>T. VCF-style: chr16-55479603-G-T. GRCh37 (hg19) VCF-style: chr16-55513515-G-T.
Other names: c.-76+638G>T (NM_001302508.1); short protein forms A42S.
Identifiers: ClinVar variation 2055669 (VCV002055669.6), dbSNP rs1016960822, ClinGen allele CA281395193.
Genomic context (GRCh38, chr16:55,479,603, plus strand): 5'-TGCCTGCTGAGCCACGCCGCCGCCGCGCCGTCGCCCATCATCAAGTTCCCCGGCGATGTC[G>T]CCCCCAAAACGGACAAAGAGTTGGCAGTGGTGAGTTGCTGCGCTGGCCTCAAGGAACCAC-3'
Protein context (NP_004521.1, residues 32-52): SPIIKFPGDV[Ala42Ser]PKTDKELAVQ